The following is an entry in ClinVar:

ClinVar aggregate classification (germline): Likely pathogenic (1 of 4 stars; one submission).

Conditions:
Argininosuccinate lyase deficiency. Also called: ARGININOSUCCINIC ACID LYASE DEFICIENCY; ASL DEFICIENCY; Argininosuccinic aciduria. Identifiers: Orphanet 23, MedGen C0268547, MONDO:0008815, OMIM 207900, HP:0025630.

Submission:

Labcorp Genetics (formerly Invitae), Labcorp
Classification: Likely pathogenic for Argininosuccinate lyase deficiency. Last evaluated: 2023-01-18. Review status: criteria provided, single submitter. Criteria: Invitae Variant Classification Sherloc (09022015). Collection method: clinical testing. Allele origin: germline.
Comment: This sequence change replaces arginine, which is basic and polar, with serine, which is neutral and polar, at codon 94 of the ASL protein (p.Arg94Ser). This variant is not present in population databases (gnomAD no frequency). This variant has not been reported in the literature in individuals affected with ASL-related conditions. Advanced modeling of protein sequence and biophysical properties (such as structural, functional, and spatial information, amino acid conservation, physicochemical variation, residue mobility, and thermodynamic stability) performed at Invitae indicates that this missense variant is expected to disrupt ASL protein function. This variant disrupts the p.Arg94 amino acid residue in ASL. Other variant(s) that disrupt this residue have been determined to be pathogenic (PMID: 24166829, 26745957; Invitae). This suggests that this residue is clinically significant, and that variants that disrupt this residue are likely to be disease-causing. In summary, the currently available evidence indicates that the variant is pathogenic, but additional data are needed to prove that conclusively. Therefore, this variant has been classified as Likely Pathogenic.

Literature cited by the submitters: PubMed 24166829; PubMed 26745957.

NM_000048.4(ASL):c.280C>A (p.Arg94Ser)

Gene: ASL (argininosuccinate lyase; plus strand). Cytogenetic location: 7q11.21.
Variant type: single nucleotide variant.
Coding change: c.280C>A on transcript NM_000048.4 (MANE Select); coding-DNA position 280, C replaced by A.
Protein change: p.Arg94Ser; replaces arginine 94 with serine.
Molecular consequence: missense variant.
Genome position (GRCh38, 1-based): chr7:66,082,440, C>A. VCF-style: chr7-66082440-C-A. GRCh37 (hg19) VCF-style: chr7-65547427-C-A.
Other names: c.280C>A, p.Arg94Ser (NM_001024943.2, NM_001024944.2, NM_001024946.2); short protein forms R94S.
Identifiers: ClinVar variation 2829866 (VCV002829866.3), dbSNP rs374304304, ClinGen allele CA367639075.